The following is an entry in ClinVar:

NM_001145809.2(MYH14):c.4107C>T (p.Ser1369=)

Gene: MYH14 (myosin heavy chain 14; plus strand). Cytogenetic location: 19q13.33.
Variant type: single nucleotide variant.
Coding change: c.4107C>T on transcript NM_001145809.2 (MANE Select); coding-DNA position 4107, C replaced by T.
Protein change: p.Ser1369=; no amino-acid change (serine 1369 retained).
Molecular consequence: synonymous variant.
Genome position (GRCh38, 1-based): chr19:50,280,111, C>T. VCF-style: chr19-50280111-C-T. GRCh37 (hg19) VCF-style: chr19-50783368-C-T.
Other names: c.4008C>T, p.Ser1336= (NM_001077186.2); c.3984C>T, p.Ser1328= (NM_024729.4).
Identifiers: ClinVar variation 504617 (VCV000504617.8), dbSNP rs372927021, ClinGen allele CA9593426.
Genomic context (GRCh38, chr19:50,280,111, plus strand): 5'-TGTGTCTGGGGCGCTGAACGAGGCTGAGTCCAAAACCATCCGTCTTAGCAAGGAGCTGAG[C>T]AGCACAGAAGCCCAGCTGCACGATGCCCAGGTGACCCTGCCTGCCCTTCGGCTCCACCGT-3'
Protein context (NP_001139281.1, residues 1359-1379): SKTIRLSKEL[Ser1369=]STEAQLHDAQ

ClinVar aggregate classification (germline): Conflicting classifications of pathogenicity. Review status: criteria provided, conflicting classifications (1 of 4 stars). 2 submissions from 2 submitters: Uncertain significance (1); Likely benign (1). Last evaluated 2018-01-15.

Conditions:
Autosomal dominant nonsyndromic hearing loss 4A. Also called: Deafness, autosomal dominant 4A. Identifiers: Orphanet 90635, MedGen C1833503, MONDO:0010915, OMIM 600652.

Allele frequency attached by ClinVar (database versions not stated): gnomAD exomes 0.00001 and 0.00005; gnomAD 0.00002 and 0.00003; ExAC 0.00003; TOPMed 0.00003; ESP Exome Variant Server 0.00015.
gnomAD v4.1: 75 of 1,608,362 alleles (0.0047%); highest among the groups gnomAD compares: Non-Finnish European, 0.006%; no homozygotes.

Submissions (2):

Illumina Laboratory Services, Illumina
Classification: Uncertain significance for Autosomal dominant nonsyndromic hearing loss 4A. Last evaluated: 2018-01-15. Review status: criteria provided, single submitter. Criteria: ICSL Variant Classification Criteria 13 December 2019. Collection method: clinical testing. Allele origin: germline.

Laboratory for Molecular Medicine, Mass General Brigham Personalized Medicine
Classification: Likely benign. Last evaluated: 2017-05-25. Review status: criteria provided, single submitter. Criteria: LMM Criteria. Collection method: clinical testing. Allele origin: germline. Observed: 1 variant allele.
Comment: p.Ser1369Ser in exon 31 of MYH14: This variant is not expected to have clinical significance because it does not alter an amino acid residue and is not located within the splice consensus sequence. It has been identified in 4/106968 Europea n chromosomes by the Genome Aggregation Database (gnomAD; dbSNP rs372927021).